The following is an entry in ClinVar:

NM_007294.4(BRCA1):c.3244_3247del (p.Ala1082fs)

Genes: BRCA1 (BRCA1 DNA repair associated; minus strand), LOC126862571 (BRD4-independent group 4 enhancer GRCh37_chr17:41243136-41244335; plus strand). Cytogenetic location: 17q21.31.
Variant type: Deletion.
Coding change: c.3244_3247del on transcript NM_007294.4 (MANE Select); coding-DNA positions 3244 to 3247, 4 bases deleted (GCTA; older notation c.3244_3247delGCTA).
Protein change: p.Ala1082fs; shifts the reading frame from alanine 1082.
Molecular consequence: frameshift variant. On other transcripts: intron variant (137).
Genome position (GRCh38, 1-based): chr17:43,092,284-43,092,287, TAGC deleted on the plus strand (GCTA on the coding strand, the reverse complement: BRCA1 is on the minus strand). VCF-style (leftmost placement, unchanged base first): chr17-43092283-ATAGC-A. GRCh37 (hg19) VCF-style: chr17-41244300-ATAGC-A.
Other names: c.2356_2359del, p.Ala786fs (NM_001407966.1, NM_001407967.1); c.3103_3106del, p.Ala1035fs (NM_007297.4, NM_001407692.1, NM_001407694.1 and 29 more transcripts); c.3031_3034del, p.Ala1011fs (NM_001407571.1, NM_001407853.1, NM_001407894.1 and 9 more transcripts); c.3244_3247del, p.Ala1082fs (NM_001407581.1, NM_001407582.1, NM_001407583.1 and 30 more transcripts); c.3241_3244del, p.Ala1081fs (NM_001407590.1, NM_001407587.1, NM_001407591.1 and 22 more transcripts); c.284-1255_284-1252del (NM_001408512.1); c.407-1255_407-1252del (NM_001408510.1); c.644-1255_644-1252del (NM_001408470.1, NM_001408465.1, NM_001408463.1 and 3 more transcripts); and 41 more; short protein forms A1014fs, A1079fs, A994fs, A1015fs, A1034fs, A1056fs, A1081fs, A1082fs.
Identifiers: ClinVar variation 2755843 (VCV002755843.3), dbSNP rs2552160093, ClinGen allele CA2697559878.
Genomic context (GRCh38, chr17:43,092,283, plus strand): 5'-CAATTACTTCCAGGAAGACTTTGTTTATAGACCTCAGGTTGCAAAACCCCTAATCTAAGC[ATAGC>A]ATTCAATTTTGGCCCTCTGTTTCTACCTAGTTCTGCTTGAATGTTTTCATCACTGGAACC-3'

ClinVar aggregate classification (germline): Pathogenic (1 of 4 stars; one submission).

Conditions:
Hereditary breast ovarian cancer syndrome. Also called: Hereditary breast and ovarian cancer; Hereditary breast and ovarian cancer syndrome; Breast and ovarian cancer; BRCA1- and BRCA2-Associated Hereditary Breast and Ovarian Cancer; Hereditary breast and ovarian cancer syndrome (HBOC); Hereditary breast and/or ovarian cancer syndrome. Identifiers: Orphanet 145, MedGen C0677776, MeSH D061325, MONDO:0003582. Disease mechanism: loss of function.

Submission:

Labcorp Genetics (formerly Invitae), Labcorp
Classification: Pathogenic for Hereditary breast ovarian cancer syndrome. Last evaluated: 2023-08-28. Review status: criteria provided, single submitter. Criteria: Invitae Variant Classification Sherloc (09022015). Collection method: clinical testing. Allele origin: germline.
Comment: For these reasons, this variant has been classified as Pathogenic. This variant has not been reported in the literature in individuals affected with BRCA1-related conditions. This variant is not present in population databases (gnomAD no frequency). This sequence change creates a premature translational stop signal (p.Ala1082Cysfs*4) in the BRCA1 gene. It is expected to result in an absent or disrupted protein product. Loss-of-function variants in BRCA1 are known to be pathogenic (PMID: 20104584).

Literature cited by the submitters: PubMed 20104584.